The following is an entry in ClinVar:

ClinVar aggregate classification (germline): Uncertain significance (1 of 4 stars; one submission).

Conditions:
Familial hemophagocytic lymphohistiocytosis 5. Also called: STXBP2-Related Familial Hemophagocytic Lymphohistiocytosis (STXBP2-fHLH). Identifiers: Orphanet 540, MedGen C2751293, MONDO:0013135, OMIM 613101.

Submission:

Labcorp Genetics (formerly Invitae), Labcorp
Classification: Uncertain significance for Familial hemophagocytic lymphohistiocytosis 5. Last evaluated: 2022-08-23. Review status: criteria provided, single submitter. Criteria: Invitae Variant Classification Sherloc (09022015). Collection method: clinical testing. Allele origin: germline.
Comment: This sequence change replaces lysine, which is basic and polar, with glutamic acid, which is acidic and polar, at codon 358 of the STXBP2 protein (p.Lys358Glu). This variant is not present in population databases (gnomAD no frequency). This missense change has been observed in individual(s) with hemophagocytic lymphohistiocytosis (PMID: 29665027). ClinVar contains an entry for this variant (Variation ID: 1399821). Algorithms developed to predict the effect of missense changes on protein structure and function are either unavailable or do not agree on the potential impact of this missense change (SIFT: "Tolerated"; PolyPhen-2: "Probably Damaging"; Align-GVGD: "Class C0"). In summary, the available evidence is currently insufficient to determine the role of this variant in disease. Therefore, it has been classified as a Variant of Uncertain Significance.

Literature cited by the submitters: PubMed 29665027.

NM_006949.4(STXBP2):c.1072A>G (p.Lys358Glu)

Gene: STXBP2 (syntaxin binding protein 2; plus strand). Cytogenetic location: 19p13.2.
Variant type: single nucleotide variant.
Coding change: c.1072A>G on transcript NM_006949.4 (MANE Select); coding-DNA position 1072, A replaced by G.
Protein change: p.Lys358Glu; replaces lysine 358 with glutamic acid.
Molecular consequence: missense variant.
Genome position (GRCh38, 1-based): chr19:7,643,210, A>G. VCF-style: chr19-7643210-A-G. GRCh37 (hg19) VCF-style: chr19-7708096-A-G.
Other names: c.1063A>G, p.Lys355Glu (NM_001127396.3); c.1105A>G, p.Lys369Glu (NM_001272034.2); short protein forms K355E, K358E, K369E.
Identifiers: ClinVar variation 1399821 (VCV001399821.5), dbSNP rs2031968427, ClinGen allele CA403160892.